The following is an entry in ClinVar:

NM_020911.2(PLXNA4):c.1372-87026C>T

Gene: PLXNA4 (plexin A4; minus strand). Cytogenetic location: 7q32.3.
Variant type: single nucleotide variant.
Coding change: c.1372-87026C>T on transcript NM_020911.2 (MANE Select); 87026 bases into the intron before coding-DNA position 1372, C replaced by T.
Molecular consequence: intron variant. On other transcripts: synonymous variant (1).
Genome position (GRCh38, 1-based): chr7:132,385,248, G>A on the plus strand (C>T on the coding strand, the complement: PLXNA4 is on the minus strand). VCF-style: chr7-132385248-G-A. GRCh37 (hg19) VCF-style: chr7-132070007-G-A.
Other names: c.1419C>T, p.Pro473= (NM_001105543.2); c.1372-87026C>T (NM_001393897.1).
Identifiers: ClinVar variation 4985054 (VCV004985054.1).

ClinVar aggregate classification (germline): Likely benign (1 of 4 stars; one submission).

Conditions:
PLXNA4-related disorder. Also called: PLXNA4-related condition.

gnomAD v4.1: 2 of 1,614,046 alleles (0.00012%); highest among the groups gnomAD compares: Admixed American, 0.0033%; no homozygotes.

Submission:

PreventionGenetics, part of Exact Sciences
Classification: Likely benign for PLXNA4-related condition. Last evaluated: 2025-02-28. Review status: criteria provided, single submitter. Criteria: ACMG Guidelines, 2015. Collection method: clinical testing. Allele origin: germline.
Comment: This variant is classified as likely benign based on ACMG/AMP sequence variant interpretation guidelines (Richards et al. 2015 PMID: 25741868, with internal and published modifications).